The following is an entry in ClinVar:

ClinVar aggregate classification (germline): Likely benign (1 of 4 stars; one submission).

Conditions:
Cenani-Lenz syndactyly syndrome. Also called: CENANI SYNDACTYLISM; SYNDACTYLY, TYPE VII. Identifiers: Orphanet 3258, MedGen C1859309, MONDO:0008931, OMIM 212780.

Allele frequency attached by ClinVar (database versions not stated): gnomAD 0.00146 and 0.00152; TOPMed 0.00170; 1000 Genomes Project 30x 0.00219; 1000 Genomes Project 0.00260.

Submission:

Illumina Laboratory Services, Illumina
Classification: Likely benign for Cenani-Lenz syndactyly syndrome. Last evaluated: 2018-01-12. Review status: criteria provided, single submitter. Criteria: ICSL Variant Classification Criteria 13 December 2019. Collection method: clinical testing. Allele origin: germline.
Comment: This variant was observed in the ICSL laboratory as part of a predisposition screen in an ostensibly healthy population. It had not been previously curated by ICSL or reported in the Human Gene Mutation Database (HGMD: prior to June 1st, 2018), and was therefore a candidate for classification through an automated scoring system. Utilizing variant allele frequency, disease prevalence and penetrance estimates, and inheritance mode, an automated score was calculated to assess if this variant is too frequent to cause the disease. Based on the score and internal cut-off values, a variant classified as likely benign is not then subjected to further curation. The score for this variant resulted in a classification of likely benign for this disease.

NM_002334.4(LRP4):c.*2054C>T

Genes: LRP4 (LDL receptor related protein 4; minus strand), LRP4-AS1 (LRP4 antisense RNA 1; plus strand). Cytogenetic location: 11p11.2.
Variant type: single nucleotide variant.
Coding change: c.*2054C>T on transcript NM_002334.4 (MANE Select); 2054 bases downstream of the stop codon, C replaced by T.
Molecular consequence: 3 prime UTR variant.
Genome position (GRCh38, 1-based): chr11:46,856,929, G>A on the plus strand (C>T on the coding strand, the complement: LRP4 is on the minus strand). VCF-style: chr11-46856929-G-A. GRCh37 (hg19) VCF-style: chr11-46878480-G-A.
Identifiers: ClinVar variation 879413 (VCV000879413.4), dbSNP rs151112380, ClinGen allele CA221658146.